The following is an entry in ClinVar:

ClinVar aggregate classification (germline): Uncertain significance. Review status: criteria provided, multiple submitters, no conflicts (2 of 4 stars). 2 submissions from 2 submitters: Uncertain significance (2). Last evaluated 2026-07-28.

Conditions:
Hereditary cancer-predisposing syndrome. Also called: Tumor predisposition; Hereditary neoplastic syndrome; Neoplastic Syndromes, Hereditary; Hereditary Cancer Syndrome. Identifiers: Orphanet 140162, MedGen C0027672, MeSH D009386, MONDO:0015356.
Cardiovascular phenotype. Identifiers: MedGen CN230736.

Submissions (2):

Ambry Genetics
Classification: Uncertain significance for Cardiovascular phenotype; Hereditary cancer-predisposing syndrome. Last evaluated: 2026-07-28. Review status: criteria provided, single submitter. Criteria: Ambry Variant Classification Scheme 2023. Collection method: clinical testing. Allele origin: germline.
Comment: The p.A2383T variant (also known as c.7147G>A), located in coding exon 48 of the NF1 gene, results from a G to A substitution at nucleotide position 7147. The alanine at codon 2383 is replaced by threonine, an amino acid with similar properties. This amino acid position is conserved. In addition, this alteration is predicted to be tolerated by in silico analysis. Based on the available evidence, the clinical significance of this variant remains unclear.

Sema4
Classification: Uncertain significance for Hereditary cancer-predisposing syndrome. Last evaluated: 2021-06-29. Review status: criteria provided, single submitter. Criteria: Sema4 Curation Guidelines. Collection method: curation. Allele origin: germline.
Comment: To the best of our knowledge, the NF1 c.7147G>A (p.A2383T) variant has not been reported in individuals with NF1-related disease. It was not observed in the large and broad cohorts of the Genome Aggregation Database (PMID: 32461654), nor has it been reported in ClinVar. In silico tools suggest the impact of the variant on protein function is inconclusive, though these predictions have not been confirmed by functional studies. The evidence is insufficient to meet ACMG/AMP criteria for classifying the variant as benign or pathogenic. Thus, the clinical significance of this variant is currently uncertain.

NM_001042492.3(NF1):c.7210G>A (p.Ala2404Thr)

Gene: NF1 (neurofibromin 1; plus strand). Cytogenetic location: 17q11.2.
Variant type: single nucleotide variant.
Coding change: c.7210G>A on transcript NM_001042492.3 (MANE Select); coding-DNA position 7210, G replaced by A.
Protein change: p.Ala2404Thr; replaces alanine 2404 with threonine.
Molecular consequence: missense variant.
Genome position (GRCh38, 1-based): chr17:31,349,140, G>A. VCF-style: chr17-31349140-G-A. GRCh37 (hg19) VCF-style: chr17-29676158-G-A.
Other names: c.7147G>A, p.Ala2383Thr (NM_000267.4); short protein forms A2383T, A2404T.
Identifiers: ClinVar variation 1692349 (VCV001692349.3), dbSNP rs2151572526, ClinGen allele CA399016693.